The following is an entry in ClinVar:

ClinVar aggregate classification (germline): Uncertain significance (1 of 4 stars; one submission).

Conditions:
Coffin-Siris syndrome 1 (CSS1). Also called: ARID1B-Related Coffin-Siris Syndrome; Mental retardation, autosomal dominant 12. Identifiers: Orphanet 1465, MedGen C3281201, MONDO:0007617, OMIM 135900. Disease mechanism: gain of function.

Submission:

3billion
Classification: Uncertain significance for Coffin-Siris syndrome 1. Last evaluated: 2025-12-01. Review status: criteria provided, single submitter. Criteria: ACMG Guidelines, 2015. Collection method: clinical testing. Allele origin: germline. Affected: yes.
Comment: The variant is not observed in the gnomAD v4.1.0 dataset. Predicted Consequence/Location: Missense variant. The majority of the known disease-causing variants of this gene are variants expected to result in premature termination of the protein. In silico tools predict the variant to alter splicing and produce an abnormal transcript [SpliceAI: 0.33 (>=0.2, moderate evidence for spliceogenicity)]. A different missense change at the same codon (p.Met1086Ile) has been reported to be associated with ARID1B-related disorder (ClinVar ID: VCV000372900). However the evidence of pathogenicity is insufficient at this time. Therefore, this variant is classified as VUS according to the recommendation of ACMG/AMP guideline.

NM_001374828.1(ARID1B):c.3257T>G (p.Met1086Arg)

Gene: ARID1B (AT-rich interaction domain 1B; plus strand). Cytogenetic location: 6q25.3.
Variant type: single nucleotide variant.
Coding change: c.3257T>G on transcript NM_001374828.1 (MANE Select); coding-DNA position 3257, T replaced by G.
Protein change: p.Met1086Arg; replaces methionine 1086 with arginine.
Molecular consequence: missense variant.
Genome position (GRCh38, 1-based): chr6:157,174,029, T>G. VCF-style: chr6-157174029-T-G. GRCh37 (hg19) VCF-style: chr6-157495163-T-G.
Other names: c.758T>G, p.Met253Arg (NM_001363725.2, NM_001438488.1); c.3296T>G, p.Met1099Arg (NM_001371656.1, NM_001374820.1); c.3386T>G, p.Met1129Arg (NM_001438482.1); c.3299T>G, p.Met1100Arg (NM_001438483.1, NM_001438486.1); c.3167T>G, p.Met1056Arg (NM_001438485.1); c.3077T>G, p.Met1026Arg (NM_001438487.1); c.3257T>G, p.Met1086Arg (NM_017519.3); short protein forms M1026R, M1056R, M1086R, M1099R, M1100R, M1129R, M253R.
Identifiers: ClinVar variation 4854900 (VCV004854900.1).
Genomic context (GRCh38, chr6:157,174,029, plus strand): 5'-CACATATAATCCTAAACTCTTTCTCCTGTTTTCGATTAGCATCTGTGGGTCTTGCAGATA[T>G]GATGTCTCCTGGTGAATCCAAACTGCCCCTGCCTCTCAAAGCAGACGGCAAAGAAGAAGG-3'
Protein context (NP_001361757.1, residues 1076-1096): SSAASVGLAD[Met1086Arg]MSPGESKLPL